The following is an entry in ClinVar:

ClinVar aggregate classification (germline): Uncertain significance (1 of 4 stars; one submission).

Conditions:
Hereditary cancer-predisposing syndrome. Also called: Hereditary neoplastic syndrome; Neoplastic Syndromes, Hereditary; Tumor predisposition; Hereditary Cancer Syndrome. Identifiers: Orphanet 140162, MedGen C0027672, MeSH D009386, MONDO:0015356.

Submission:

Ambry Genetics
Classification: Uncertain significance for Hereditary cancer-predisposing syndrome. Last evaluated: 2025-07-08. Review status: criteria provided, single submitter. Criteria: Ambry Variant Classification Scheme 2023. Collection method: clinical testing. Allele origin: germline.
Comment: The p.D556Y variant (also known as c.1666G>T), located in coding exon 13 of the APC gene, results from a G to T substitution at nucleotide position 1666. The aspartic acid at codon 556 is replaced by tyrosine, an amino acid with highly dissimilar properties. This amino acid position is highly conserved in available vertebrate species. In addition, in silico predictors for this gene do not accurately predict pathogenicity. Missense alterations in APC are not a common cause of disease (Spier I et al. Genet Med. 2024 Feb;26(2):100992). Based on the available evidence, the clinical significance of this variant remains unclear.

NM_000038.6(APC):c.1666G>T (p.Asp556Tyr)

Gene: APC (APC regulator of Wnt signaling pathway; plus strand). Cytogenetic location: 5q22.2.
Variant type: single nucleotide variant.
Coding change: c.1666G>T on transcript NM_000038.6 (MANE Select); coding-DNA position 1666, G replaced by T.
Protein change: p.Asp556Tyr; replaces aspartic acid 556 with tyrosine.
Molecular consequence: missense variant.
Genome position (GRCh38, 1-based): chr5:112,828,895, G>T. VCF-style: chr5-112828895-G-T. GRCh37 (hg19) VCF-style: chr5-112164592-G-T.
Other names: c.1666G>T, p.Asp556Tyr (NM_001407450.1, NM_001127510.3, NM_001354895.2); c.1645G>T, p.Asp549Tyr (NM_001407451.1); c.1636G>T, p.Asp546Tyr (NM_001407452.1); c.1489G>T, p.Asp497Tyr (NM_001407453.1, NM_001354901.2); c.1417G>T, p.Asp473Tyr (NM_001407454.1, NM_001407455.1, NM_001407456.1 and 1 more transcripts); c.1363G>T, p.Asp455Tyr (NM_001407458.1, NM_001407459.1, NM_001407460.1 and 1 more transcripts); c.1279G>T, p.Asp427Tyr (NM_001407467.1, NM_001407469.1); c.817G>T, p.Asp273Tyr (NM_001407470.1, NM_001354906.2); and 11 more; short protein forms D172Y, D396Y, D465Y, D549Y, D430Y, D497Y, D538Y, D427Y.
Identifiers: ClinVar variation 4120426 (VCV004120426.1).